The following is an entry in ClinVar:

ClinVar aggregate classification (germline): Benign/Likely benign. Review status: criteria provided, multiple submitters, no conflicts (2 of 4 stars). 3 submissions from 3 submitters: Benign (1); Likely benign (2). Last evaluated 2025-06-03.

Conditions:
Hereditary cancer-predisposing syndrome. Also called: Tumor predisposition; Neoplastic Syndromes, Hereditary; Hereditary Cancer Syndrome; Hereditary neoplastic syndrome. Identifiers: Orphanet 140162, MedGen C0027672, MeSH D009386, MONDO:0015356.
Tuberous sclerosis 2 (TSC2). Identifiers: Orphanet 805, MedGen C1860707, MONDO:0013199, OMIM 613254.

Allele frequency attached by ClinVar (database versions not stated): gnomAD exomes below 0.00001; TOPMed 0.00001.

Submissions (3):

Labcorp Genetics (formerly Invitae), Labcorp
Classification: Likely benign for Tuberous sclerosis 2. Last evaluated: 2025-06-03. Review status: criteria provided, single submitter. Criteria: Invitae Variant Classification Sherloc (09022015). Collection method: clinical testing. Allele origin: germline.

Myriad Genetics, Inc.
Classification: Benign for Tuberous sclerosis 2. Last evaluated: 2025-05-13. Review status: criteria provided, single submitter. Criteria: Myriad Autosomal Dominant, Autosomal Recessive and X-Linked Classification Criteria (2023). Collection method: clinical testing. Allele origin: unknown.
Comment: This variant is considered benign. This variant is a silent/synonymous amino acid change and it is not expected to impact splicing.

Ambry Genetics
Classification: Likely benign for Hereditary cancer-predisposing syndrome. Last evaluated: 2021-12-15. Review status: criteria provided, single submitter. Criteria: Ambry Variant Classification Scheme 2023. Collection method: clinical testing. Allele origin: germline.

NM_000548.5(TSC2):c.1320C>G (p.Gly440=)

Gene: TSC2 (TSC complex subunit 2; plus strand). Cytogenetic location: 16p13.3.
Variant type: single nucleotide variant.
Coding change: c.1320C>G on transcript NM_000548.5 (MANE Select); coding-DNA position 1320, C replaced by G.
Protein change: p.Gly440=; no amino-acid change (glycine 440 retained).
Molecular consequence: synonymous variant.
Genome position (GRCh38, 1-based): chr16:2,062,559, C>G. VCF-style: chr16-2062559-C-G. GRCh37 (hg19) VCF-style: chr16-2112560-C-G.
Other names: c.1320C>G, p.Gly440= (NM_001077183.3, NM_001114382.3, NM_001363528.2 and 3 more transcripts); c.1209C>G, p.Gly403= (NM_001318827.2); c.1173C>G, p.Gly391= (NM_001318829.2); c.720C>G, p.Gly240= (NM_001318831.2); c.1353C>G, p.Gly451= (NM_001318832.2).
Identifiers: ClinVar variation 413757 (VCV000413757.16), dbSNP rs983982198, ClinGen allele CA16614916.
Genomic context (GRCh38, chr16:2,062,559, plus strand): 5'-GTCCTCCCTCCTGAACCTGATCTCCTATAGAGCGCAGTCCATCCACCCGGCCAAGGACGG[C>G]TGGATTCAGAACCTGCAGGCGCTGATGGAGAGATTCTTCAGGTAGGGGGTCCTCTGTAGC-3'
Protein context (NP_000539.2, residues 430-450): RAQSIHPAKD[Gly440=]WIQNLQALME